The following is an entry in ClinVar:

NM_004387.4(NKX2-5):c.693A>C (p.Leu231=)

Gene: NKX2-5 (NK2 homeobox 5; minus strand). Cytogenetic location: 5q35.1.
Variant type: single nucleotide variant.
Coding change: c.693A>C on transcript NM_004387.4 (MANE Select); coding-DNA position 693, A replaced by C.
Protein change: p.Leu231=; no amino-acid change (leucine 231 retained).
Molecular consequence: synonymous variant. On other transcripts: 3 prime UTR variant (2).
Genome position (GRCh38, 1-based): chr5:173,232,851, T>G on the plus strand (A>C on the coding strand, the complement: NKX2-5 is on the minus strand). VCF-style: chr5-173232851-T-G. GRCh37 (hg19) VCF-style: chr5-172659854-T-G.
Other names: c.*646A>C (NM_001166175.2); c.*492A>C (NM_001166176.2).
Identifiers: ClinVar variation 1756230 (VCV001756230.3), dbSNP rs2480072215, ClinGen allele CA447974642.

ClinVar aggregate classification (germline): Likely benign. Review status: criteria provided, multiple submitters, no conflicts (2 of 4 stars). 2 submissions from 2 submitters: Likely benign (2). Last evaluated 2025-03-31.

Conditions:
Cardiovascular phenotype. Identifiers: MedGen CN230736.
NKX2-5-related disorder. Also called: NKX2-5-related condition.

Allele frequency attached by ClinVar (database versions not stated): gnomAD exomes below 0.00001.

Submissions (2):

PreventionGenetics, part of Exact Sciences
Classification: Likely benign for NKX2-5-related condition. Last evaluated: 2025-03-31. Review status: criteria provided, single submitter. Criteria: ACMG Guidelines, 2015. Collection method: clinical testing. Allele origin: germline.
Comment: This variant is classified as likely benign based on ACMG/AMP sequence variant interpretation guidelines (Richards et al. 2015 PMID: 25741868, with internal and published modifications).

Ambry Genetics
Classification: Likely benign for Cardiovascular phenotype. Last evaluated: 2020-11-15. Review status: criteria provided, single submitter. Criteria: Ambry Variant Classification Scheme 2023. Collection method: clinical testing. Allele origin: germline.